The following is an entry in ClinVar:

ClinVar aggregate classification (germline): Benign. Review status: criteria provided, multiple submitters, no conflicts (2 of 4 stars). 9 submissions from 8 submitters: Benign (7). 2 of the submissions do not count toward it. Last evaluated 2026-02-04.

Conditions:
Achromatopsia. Also called: Rod monochromatism. Identifiers: Orphanet 49382, MedGen C0152200, MONDO:0018852, HP:0011516.
Cone dystrophy 4 (COD4). Identifiers: Orphanet 49382, MedGen C2751308, MONDO:0013129, OMIM 613093.

Allele frequency attached by ClinVar (database versions not stated): ESP Exome Variant Server 0.22913; 1000 Genomes Project 0.23522; gnomAD 0.23737; 1000 Genomes Project 30x 0.23923; TOPMed 0.24303.
gnomAD v4.1: 432,481 of 1,612,322 alleles (27%); highest among the groups gnomAD compares: East Asian, 35%; 60,178 homozygotes.

Submissions (9):

Labcorp Genetics (formerly Invitae), Labcorp
Classification: Benign. Last evaluated: 2026-02-04. Review status: criteria provided, single submitter. Criteria: Invitae Variant Classification Sherloc (09022015). Collection method: clinical testing. Allele origin: germline.

Blueprint Genetics
Classification: Benign. Last evaluated: 2024-11-27. Review status: criteria provided, single submitter. Criteria: ACMG Guidelines, 2015. Collection method: clinical testing. Allele origin: germline.

Illumina Laboratory Services, Illumina
Classification: Benign for Cone dystrophy 4. Last evaluated: 2018-01-13. Review status: criteria provided, single submitter. Criteria: ICSL Variant Classification Criteria 13 December 2019. Collection method: clinical testing. Allele origin: germline.
Comment: This variant was observed in the ICSL laboratory as part of a predisposition screen in an ostensibly healthy population. It had not been previously curated by ICSL or reported in the Human Gene Mutation Database (HGMD: prior to June 1st, 2018), and was therefore a candidate for classification through an automated scoring system. Utilizing variant allele frequency, disease prevalence and penetrance estimates, and inheritance mode, an automated score was calculated to assess if this variant is too frequent to cause the disease. Based on the score and internal cut-off values, a variant classified as benign is not then subjected to further curation. The score for this variant resulted in a classification of benign for this disease.

Illumina Laboratory Services, Illumina
Classification: Benign for Achromatopsia. Last evaluated: 2018-01-13. Review status: criteria provided, single submitter. Criteria: ICSL Variant Classification Criteria 13 December 2019. Collection method: clinical testing. Allele origin: germline.
Comment: the same text as in the submission from Illumina Laboratory Services, Illumina above.

GeneDx
Classification: Benign. Last evaluated: 2015-03-03. Review status: criteria provided, single submitter. Criteria: GeneDx Variant Classification Process June 2021. Collection method: clinical testing. Allele origin: germline. Affected: yes.

Breakthrough Genomics
Classification: Benign. Review status: criteria provided, single submitter. Criteria: ACMG Guidelines, 2015. Collection method: not provided. Allele origin: germline. Inheritance: Autosomal recessive inheritance. Affected: yes.

PreventionGenetics, part of Exact Sciences
Classification: Benign. Review status: criteria provided, single submitter. Criteria: ACMG Guidelines, 2015. Collection method: clinical testing. Allele origin: germline.

Diagnostic Laboratory, Department of Genetics, University Medical Center Groningen
Classification: Benign. Review status: no assertion criteria provided. Collection method: clinical testing. Allele origin: germline. Affected: yes. Study: VKGL Data-share Consensus. Not counted in ClinVar's aggregate classification.

Joint Genome Diagnostic Labs from Nijmegen and Maastricht, Radboudumc and MUMC+
Classification: Benign. Review status: no assertion criteria provided. Collection method: clinical testing. Allele origin: germline. Affected: yes. Study: VKGL Data-share Consensus. Not counted in ClinVar's aggregate classification.

NM_006204.4(PDE6C):c.1380C>G (p.Thr460=)

Gene: PDE6C (phosphodiesterase 6C; plus strand). Cytogenetic location: 10q23.33.
Variant type: single nucleotide variant.
Coding change: c.1380C>G on transcript NM_006204.4 (MANE Select); coding-DNA position 1380, C replaced by G.
Protein change: p.Thr460=; no amino-acid change (threonine 460 retained).
Molecular consequence: synonymous variant.
Genome position (GRCh38, 1-based): chr10:93,635,607, C>G. VCF-style: chr10-93635607-C-G. GRCh37 (hg19) VCF-style: chr10-95395364-C-G.
Identifiers: ClinVar variation 259942 (VCV000259942.22), dbSNP rs3737228, ClinGen allele CA5610160.